The following is an entry in ClinVar:

ClinVar aggregate classification (germline): Uncertain significance (1 of 4 stars; one submission).

Conditions:
Hereditary cancer-predisposing syndrome. Also called: Neoplastic Syndromes, Hereditary; Tumor predisposition; Hereditary Cancer Syndrome; Hereditary neoplastic syndrome. Identifiers: Orphanet 140162, MedGen C0027672, MeSH D009386, MONDO:0015356.

Submission:

Ambry Genetics
Classification: Uncertain significance for Hereditary cancer-predisposing syndrome. Last evaluated: 2026-04-16. Review status: criteria provided, single submitter. Criteria: Ambry Variant Classification Scheme 2023. Collection method: clinical testing. Allele origin: germline.
Comment: The c.2081_2089delGGCCCTCGC variant (also known as p.R694_S696del) is located in coding exon 11 of the RET gene. This variant results from an in-frame GGCCCTCGC deletion at nucleotide positions 2081 to 2089. This results in the in-frame deletion of 3 amino acids (RPS) at codons 694 to 696. These amino acid positions are well conserved in available vertebrate species. In addition, this variant is predicted to be deleterious by in silico analysis (Choi Y et al. PLoS ONE. 2012; 7(10):e46688). Based on the available evidence, the clinical significance of this variant remains unclear.

NM_020975.6(RET):c.2081_2089del (p.Arg694_Ser696del)

Gene: RET (ret proto-oncogene; plus strand). Cytogenetic location: 10q11.21.
Variant type: Deletion.
Coding change: c.2081_2089del on transcript NM_020975.6 (MANE Select); coding-DNA positions 2081 to 2089, 9 bases deleted (GGCCCTCGC; older notation c.2081_2089delGGCCCTCGC).
Protein change: p.Arg694_Ser696del.
Molecular consequence: inframe deletion.
Genome position (GRCh38, 1-based): chr10:43,114,681-43,114,689, GGCCCTCGC deleted; deleting any 9 consecutive bases within chr10:43,114,680-43,114,689 gives the same sequence; the c. name uses the placement nearest the transcript's 3' end. VCF-style (leftmost placement, unchanged base first): chr10-43114679-CCGGCCCTCG-C. GRCh37 (hg19) VCF-style: chr10-43610127-CCGGCCCTCG-C.
Other names: c.896_904del, p.Arg299_Ser301del (NM_001406788.1, NM_001406789.1, NM_001406790.1); c.776_784del, p.Arg259_Ser261del (NM_001406791.1); c.632_640del, p.Arg211_Ser213del (NM_001406792.1, NM_001406793.1, NM_001406794.1); c.2081_2089del, p.Arg694_Ser696del (NM_020630.7, NM_001406743.1, NM_001406744.1 and 2 more transcripts); c.1355_1363del, p.Arg452_Ser454del (NM_001406778.1, NM_001406777.1, NM_001406775.1 and 1 more transcripts); c.1184_1192del, p.Arg395_Ser397del (NM_001406779.1, NM_001406780.1, NM_001406781.1 and 1 more transcripts); c.1055_1063del, p.Arg352_Ser354del (NM_001406783.1, NM_001406786.1); c.1091_1099del, p.Arg364_Ser366del (NM_001406784.1); and 10 more.
Identifiers: ClinVar variation 4863262 (VCV004863262.1).